The following is an entry in ClinVar:

NM_006602.4(TCFL5):c.1207G>A (p.Glu403Lys)

Gene: TCFL5 (transcription factor like 5; minus strand). Cytogenetic location: 20q13.33.
Variant type: single nucleotide variant.
Coding change: c.1207G>A on transcript NM_006602.4 (MANE Select); coding-DNA position 1207, G replaced by A.
Protein change: p.Glu403Lys; replaces glutamic acid 403 with lysine.
Molecular consequence: missense variant.
Genome position (GRCh38, 1-based): chr20:62,857,426, C>T on the plus strand (G>A on the coding strand, the complement: TCFL5 is on the minus strand). VCF-style: chr20-62857426-C-T. GRCh37 (hg19) VCF-style: chr20-61488778-C-T.
Other names: c.1204G>A, p.Glu402Lys (NM_001301726.2); short protein forms E402K, E403K.
Identifiers: ClinVar variation 3773738 (VCV003773738.2).

ClinVar aggregate classification (germline): Conflicting classifications of pathogenicity. Review status: no assertion criteria provided (0 of 4 stars). 2 submissions from 2 submitters: Pathogenic (1); Uncertain significance (1). Last evaluated 2026-02-06.

Conditions:
Oligoasthenoteratozoospermia. Identifiers: MedGen CN372097, MONDO:0850098.

Submissions (2):

OMIM
Classification: Uncertain significance for VARIANT OF UNKNOWN SIGNIFICANCE. Last evaluated: 2026-02-06. Review status: no assertion criteria provided. Collection method: literature only. Allele origin: germline.

Fuxi Zhu Research Group, Second Affiliated Hospital of Anhui Medical University
Classification: Pathogenic for Oligoasthenoteratozoospermia. Review status: no assertion criteria provided. Collection method: research. Allele origin: maternal. Affected: yes.
Comment: The variant (NM_006602.4: c. 1207G> A; p. E403K) causes amino acid substitution. This variant influences the transcriptional function of TCFL5 and affects the expression of some key genes involved in spermatogenesis (Internal data) (PS3). Tcfl5 is highly expressed in the testis of mice, and heterozygous knockout results in male infertility (PMID 34931239). This variant is exceptionally rare or not observed in the general population by analysis of the variants frequency in the 1000 Genomes variant database, Genome Aggregation database, and Exome Aggregation Consortium (PM2). This variant is predicted to be pathogenic by SIFT, PolyPhen2, and Mutation Taster algorithms (PP3). In summary, this variant meets criteria to be classified as pathogenic based on the ACMG/AMP criteria applied.

Literature cited by the submitters: PubMed 40711600 (cited by OMIM); PubMed 35768632 (cited by Fuxi Zhu Research Group, Second Affiliated Hospital of Anhui Medical University); PubMed 34931239 (cited by Fuxi Zhu Research Group, Second Affiliated Hospital of Anhui Medical University).